The following is an entry in ClinVar:

NM_002049.4(GATA1):c.1045G>A (p.Val349Met)

Gene: GATA1 (GATA binding protein 1; plus strand). Cytogenetic location: Xp11.23.
Variant type: single nucleotide variant.
Coding change: c.1045G>A on transcript NM_002049.4 (MANE Select); coding-DNA position 1045, G replaced by A.
Protein change: p.Val349Met; replaces valine 349 with methionine.
Molecular consequence: missense variant.
Genome position (GRCh38, 1-based): chrX:48,793,967, G>A. VCF-style: chrX-48793967-G-A. GRCh37 (hg19) VCF-style: chrX-48652374-G-A.
Other names: short protein forms V349M.
Identifiers: ClinVar variation 698888 (VCV000698888.47), dbSNP rs199710067, ClinGen allele CA10404692.
Genomic context (GRCh38, chrX:48,793,967, plus strand): 5'-GGACCAGCTGGTGGCTTTATGGTGGTGGCTGGGGGCAGCGGTAGCGGGAATTGTGGGGAG[G>A]TGGCTTCAGGCCTGACACTGGGCCCCCCAGGTACTGCCCATCTCTACCAAGGCCTGGGCC-3'
Protein context (NP_002040.1, residues 339-359): GGSGSGNCGE[Val349Met]ASGLTLGPPG

ClinVar aggregate classification (germline): Conflicting classifications of pathogenicity. Review status: criteria provided, conflicting classifications (1 of 4 stars). 4 submissions from 4 submitters: Uncertain significance (1); Benign (1); Likely benign (2). Last evaluated 2025-12-24.

Conditions:
GATA1-related disorder. Also called: GATA1-related condition.
Inborn genetic diseases. Identifiers: MedGen C0950123, MeSH D030342.
GATA binding protein 1 related thrombocytopenia with dyserythropoiesis. Also called: GATA1-Related Cytopenia; GATA1-Related X-Linked Cytopenia. Identifiers: MedGen C1845837, MONDO:0100089.
Diamond-Blackfan anemia. Also called: Blackfan Diamond syndrome; Aregenerative anemia chronic congenital; Red cell aplasia, pure hereditary; Congenital hypoplastic anemia; Aase syndrome. Identifiers: Orphanet 124, MedGen C1260899, MeSH D029503, MONDO:0015253, HP:0004810.

Allele frequency attached by ClinVar (database versions not stated): gnomAD exomes 0.00007 and 0.00016; ExAC 0.00009; gnomAD 0.00012 and 0.00014; TOPMed 0.00016; ESP Exome Variant Server 0.00028.
gnomAD v4.1: 179 of 1,202,851 alleles (0.015%); highest among the groups gnomAD compares: Non-Finnish European, 0.019%; no homozygotes.

Submissions (4):

Labcorp Genetics (formerly Invitae), Labcorp
Classification: Benign for GATA binding protein 1 related thrombocytopenia with dyserythropoiesis; Diamond-Blackfan anemia. Last evaluated: 2025-12-24. Review status: criteria provided, single submitter. Criteria: Invitae Variant Classification Sherloc (09022015). Collection method: clinical testing. Allele origin: germline.

PreventionGenetics, part of Exact Sciences
Classification: Likely benign for GATA1-related condition. Last evaluated: 2024-12-17. Review status: criteria provided, single submitter. Criteria: ACMG Guidelines, 2015. Collection method: clinical testing. Allele origin: germline.
Comment: This variant is classified as likely benign based on ACMG/AMP sequence variant interpretation guidelines (Richards et al. 2015 PMID: 25741868, with internal and published modifications).

Ambry Genetics
Classification: Uncertain significance for Inborn genetic diseases. Last evaluated: 2024-04-26. Review status: criteria provided, single submitter. Criteria: Ambry Variant Classification Scheme 2023. Collection method: clinical testing. Allele origin: germline.

CeGaT Center for Human Genetics Tuebingen
Classification: Likely benign. Last evaluated: 2021-04-01. Review status: criteria provided, single submitter. Criteria: CeGaT Center For Human Genetics Tuebingen Variant Classification Criteria Version 2. Collection method: clinical testing. Allele origin: germline. Affected: yes. Observed: 1 variant allele.